The following is an entry in ClinVar:

ClinVar aggregate classification (germline): Benign/Likely benign. Review status: criteria provided, multiple submitters, no conflicts (2 of 4 stars). 9 submissions from 9 submitters: Benign (3); Likely benign (4). 2 of the submissions do not count toward it. Last evaluated 2026-01-28.

Conditions:
Nemaline myopathy 2 (NEM2). Also called: Nemaline myopathy 2, autosomal recessive. Identifiers: MedGen C1850569, MONDO:0009725, OMIM 256030.
NEB-related disorder. Also called: NEB-related condition; NEB-Related Disorders.

Allele frequency attached by ClinVar (database versions not stated): ESP Exome Variant Server 0.00215; 1000 Genomes Project 0.00220; TOPMed 0.00227; gnomAD 0.00242; 1000 Genomes Project 30x 0.00297.
gnomAD v4.1: 830 of 1,613,838 alleles (0.051%); highest among the groups gnomAD compares: African/African-American, 0.89%; 3 homozygotes.

Submissions (9):

Labcorp Genetics (formerly Invitae), Labcorp
Classification: Benign for Nemaline myopathy 2. Last evaluated: 2026-01-28. Review status: criteria provided, single submitter. Criteria: Invitae Variant Classification Sherloc (09022015). Collection method: clinical testing. Allele origin: germline.

Blueprint Genetics
Classification: Likely benign. Last evaluated: 2024-09-13. Review status: criteria provided, single submitter. Criteria: ACMG Guidelines, 2015. Collection method: clinical testing. Allele origin: germline.

CeGaT Center for Human Genetics Tuebingen
Classification: Likely benign. Last evaluated: 2023-11-01. Review status: criteria provided, single submitter. Criteria: CeGaT Center For Human Genetics Tuebingen Variant Classification Criteria Version 2. Collection method: clinical testing. Allele origin: germline. Affected: yes. Observed: 2 variant alleles.
Comment: NEB: BP4, BP7

GeneDx
Classification: Likely benign. Last evaluated: 2020-01-23. Review status: criteria provided, single submitter. Criteria: GeneDx Variant Classification Process June 2021. Collection method: clinical testing. Allele origin: germline. Affected: yes.

Athena Diagnostics
Classification: Benign. Last evaluated: 2018-05-01. Review status: criteria provided, single submitter. Criteria: Athena Diagnostics Criteria. Collection method: clinical testing. Allele origin: germline.

Illumina Laboratory Services, Illumina
Classification: Likely benign for Nemaline myopathy 2. Last evaluated: 2018-01-13. Review status: criteria provided, single submitter. Criteria: ICSL Variant Classification Criteria 13 December 2019. Collection method: clinical testing. Allele origin: germline.
Comment: This variant was observed in the ICSL laboratory as part of a predisposition screen in an ostensibly healthy population. It had not been previously curated by ICSL or reported in the Human Gene Mutation Database (HGMD: prior to June 1st, 2018), and was therefore a candidate for classification through an automated scoring system. Utilizing variant allele frequency, disease prevalence and penetrance estimates, and inheritance mode, an automated score was calculated to assess if this variant is too frequent to cause the disease. Based on the score and internal cut-off values, a variant classified as likely benign is not then subjected to further curation. The score for this variant resulted in a classification of likely benign for this disease.

Eurofins Ntd Llc (ga)
Classification: Benign. Last evaluated: 2016-11-29. Review status: criteria provided, single submitter. Criteria: EGL Classification Definitions 2015. Collection method: clinical testing. Allele origin: germline. Observed: 1 variant allele, 1 heterozygote.

PreventionGenetics, part of Exact Sciences
Classification: Benign for NEB-related condition. Last evaluated: 2024-06-21. Review status: no assertion criteria provided. Collection method: clinical testing. Allele origin: germline. Not counted in ClinVar's aggregate classification.
Comment: This variant is classified as benign based on ACMG/AMP sequence variant interpretation guidelines (Richards et al. 2015 PMID: 25741868, with internal and published modifications).

Natera, Inc.
Classification: Likely benign for Nemaline myopathy type 2. Last evaluated: 2020-01-08. Review status: no assertion criteria provided. Collection method: clinical testing. Allele origin: germline. Not counted in ClinVar's aggregate classification.

NM_001164508.2(NEB):c.4980C>T (p.Pro1660=)

Gene: NEB (nebulin; minus strand). Cytogenetic location: 2q23.3.
Variant type: single nucleotide variant.
Coding change: c.4980C>T on transcript NM_001164508.2 (MANE Select); coding-DNA position 4980, C replaced by T.
Protein change: p.Pro1660=; no amino-acid change (proline 1660 retained).
Molecular consequence: synonymous variant.
Genome position (GRCh38, 1-based): chr2:151,666,141, G>A on the plus strand (C>T on the coding strand, the complement: NEB is on the minus strand). VCF-style: chr2-151666141-G-A. GRCh37 (hg19) VCF-style: chr2-152522655-G-A.
Other names: c.4980C>T, p.Pro1660= (NM_001164507.2, NM_001271208.2, NM_004543.5).
Identifiers: ClinVar variation 331508 (VCV000331508.51), dbSNP rs142074817, ClinGen allele CA1910486.